The following is an entry in ClinVar:

NM_001142800.2(EYS):c.7994G>A (p.Gly2665Glu)

Gene: EYS (EGF-like photoreceptor maintenance factor; minus strand). Cytogenetic location: 6q12.
Variant type: single nucleotide variant.
Coding change: c.7994G>A on transcript NM_001142800.2 (MANE Select); coding-DNA position 7994, G replaced by A.
Protein change: p.Gly2665Glu; replaces glycine 2665 with glutamic acid.
Molecular consequence: missense variant.
Genome position (GRCh38, 1-based): chr6:63,762,538, C>T on the plus strand (G>A on the coding strand, the complement: EYS is on the minus strand). VCF-style: chr6-63762538-C-T. GRCh37 (hg19) VCF-style: chr6-64472431-C-T.
Other names: c.7994G>A, p.Gly2665Glu (NM_001292009.2); short protein forms G2665E.
Identifiers: ClinVar variation 438208 (VCV000438208.5), dbSNP rs1435861529, ClinGen allele CA364390161.

ClinVar aggregate classification (germline): Uncertain significance. Review status: criteria provided, multiple submitters, no conflicts (2 of 4 stars). 3 submissions from 3 submitters: Uncertain significance (2). 1 of the submissions does not count toward it. Last evaluated 2022-11-07.

Conditions:
Retinal dystrophy. Also called: Inherited retinal dystrophy. Identifiers: Orphanet 71862, MedGen C0854723, MeSH D058499, MONDO:0019118, HP:0000556.

Allele frequency attached by ClinVar (database versions not stated): gnomAD 0.00002; gnomAD exomes 0.00002; TOPMed 0.00002.
gnomAD v4.1: 30 of 1,550,288 alleles (0.0019%); highest among the groups gnomAD compares: Middle Eastern, 0.017%; no homozygotes.

Submissions (3):

Blueprint Genetics
Classification: Uncertain significance. Last evaluated: 2022-11-07. Review status: criteria provided, single submitter. Criteria: ACMG Guidelines, 2015. Collection method: clinical testing. Allele origin: germline.

Labcorp Genetics (formerly Invitae), Labcorp
Classification: Uncertain significance. Last evaluated: 2022-10-24. Review status: criteria provided, single submitter. Criteria: Invitae Variant Classification Sherloc (09022015). Collection method: clinical testing. Allele origin: germline.
Comment: This sequence change replaces glycine, which is neutral and non-polar, with glutamic acid, which is acidic and polar, at codon 2665 of the EYS protein (p.Gly2665Glu). This variant is present in population databases (no rsID available, gnomAD 0.007%). This missense change has been observed in individual(s) with retinal dystrophy (PMID: 28041643). ClinVar contains an entry for this variant (Variation ID: 438208). Advanced modeling of protein sequence and biophysical properties (such as structural, functional, and spatial information, amino acid conservation, physicochemical variation, residue mobility, and thermodynamic stability) has been performed at Invitae for this missense variant, however the output from this modeling did not meet the statistical confidence thresholds required to predict the impact of this variant on EYS protein function. In summary, the available evidence is currently insufficient to determine the role of this variant in disease. Therefore, it has been classified as a Variant of Uncertain Significance.

NIHR Bioresource Rare Diseases, University of Cambridge
Classification: Likely pathogenic for Retinal dystrophy. Last evaluated: 2015-01-01. Review status: no assertion criteria provided. Collection method: research. Allele origin: unknown. Affected: yes. Observed: 1 variant allele. Not counted in ClinVar's aggregate classification.

Literature cited by the submitters: PubMed 28041643 (cited by Labcorp Genetics (formerly Invitae), Labcorp and NIHR Bioresource Rare Diseases, University of Cambridge).